The following is an entry in ClinVar:

NM_001367624.2(ZNF469):c.4421C>T (p.Ala1474Val)

Gene: ZNF469 (zinc finger protein 469; plus strand). Cytogenetic location: 16q24.2.
Variant type: single nucleotide variant.
Coding change: c.4421C>T on transcript NM_001367624.2 (MANE Select); coding-DNA position 4421, C replaced by T.
Protein change: p.Ala1474Val; replaces alanine 1474 with valine.
Molecular consequence: missense variant.
Genome position (GRCh38, 1-based): chr16:88,431,891, C>T. VCF-style: chr16-88431891-C-T. GRCh37 (hg19) VCF-style: chr16-88498299-C-T.
Other names: NM_001127464.1:c.4337C>T; NM_001127464.2:c.4337C>T; p.Ala1474Val; short protein forms A1474V.
Identifiers: ClinVar variation 195126 (VCV000195126.56), dbSNP rs199897247, ClinGen allele CA241406.

ClinVar aggregate classification (germline): Benign/Likely benign. Review status: criteria provided, multiple submitters, no conflicts (2 of 4 stars). 11 submissions from 11 submitters: Benign (8); Likely benign (3). Last evaluated 2026-09-01.

Conditions:
Cardiovascular phenotype. Identifiers: MedGen CN230736.
Ehlers-Danlos syndrome (EDS). Identifiers: Orphanet 98249, MedGen C0013720, MONDO:0020066.
Brittle cornea syndrome 1 (BCS1). Also called: CORNEAL FRAGILITY, KERATOGLOBUS, BLUE SCLERAE, JOINT HYPEREXTENSIBILITY; EDS6B; FRAGILITAS OCULI WITH JOINT HYPEREXTENSIBILITY; DYSGENESIS MESODERMALIS CORNEAE ET SCLERAE; Corneal fragility keratoglobus, blue sclerae AND joint hypermobility. Identifiers: Orphanet 90354, MedGen C0268344, MONDO:0024543, OMIM 229200.

Allele frequency attached by ClinVar (database versions not stated): 1000 Genomes Project 0.00559; 1000 Genomes Project 30x 0.00562; TOPMed 0.00565; gnomAD 0.00605; ExAC 0.01131.
gnomAD v4.1: 12,306 of 1,549,796 alleles (0.79%); highest among the groups gnomAD compares: Middle Eastern, 3.2%; 100 homozygotes.

Submissions (11):

CeGaT Center for Human Genetics Tuebingen
Classification: Benign. Last evaluated: 2026-09-01. Review status: criteria provided, single submitter. Criteria: CeGaT Center For Human Genetics Tuebingen Variant Classification Criteria Version 2. Collection method: clinical testing. Allele origin: germline. Affected: yes. Observed: 34 variant alleles.
Comment: ZNF469: BP4, BS1, BS2

Women's Health and Genetics/Laboratory Corporation of America, LabCorp
Classification: Likely benign. Last evaluated: 2026-04-06. Review status: criteria provided, single submitter. Criteria: LabCorp Variant Classification Summary - May 2015. Collection method: clinical testing. Allele origin: germline.

Labcorp Genetics (formerly Invitae), Labcorp
Classification: Benign. Last evaluated: 2026-02-04. Review status: criteria provided, single submitter. Criteria: Invitae Variant Classification Sherloc (09022015). Collection method: clinical testing. Allele origin: germline.

Blueprint Genetics
Classification: Likely benign. Last evaluated: 2024-11-23. Review status: criteria provided, single submitter. Criteria: ACMG Guidelines, 2015. Collection method: clinical testing. Allele origin: germline.

Mayo Clinic Laboratories, Mayo Clinic
Classification: Benign. Last evaluated: 2023-02-21. Review status: criteria provided, single submitter. Criteria: ACMG Guidelines, 2015. Collection method: clinical testing. Allele origin: germline. Observed: 41 variant alleles.
Comment: BS1, BS2, BP4

Genome Diagnostics Laboratory, The Hospital for Sick Children
Classification: Benign for Ehlers-Danlos syndrome. Last evaluated: 2022-01-14. Review status: criteria provided, single submitter. Criteria: ACMG Guidelines, 2015. Collection method: clinical testing. Allele origin: germline.

Genome-Nilou Lab
Classification: Benign for Brittle cornea syndrome 1. Last evaluated: 2021-12-05. Review status: criteria provided, single submitter. Criteria: ACMG Guidelines, 2015. Collection method: clinical testing. Allele origin: germline. Affected: no.

Ambry Genetics
Classification: Benign for Cardiovascular phenotype. Last evaluated: 2018-12-17. Review status: criteria provided, single submitter. Criteria: Ambry Variant Classification Scheme 2023. Collection method: clinical testing. Allele origin: germline.

GeneDx
Classification: Benign. Last evaluated: 2018-06-28. Review status: criteria provided, single submitter. Criteria: GeneDx Variant Classification Process June 2021. Collection method: clinical testing. Allele origin: germline. Affected: yes.
Comment: This variant is associated with the following publications: (PMID: 25564447)

Eurofins Ntd Llc (ga)
Classification: Benign. Last evaluated: 2015-10-08. Review status: criteria provided, single submitter. Criteria: EGL Classification Definitions 2015. Collection method: clinical testing. Allele origin: germline. Observed: 2 variant alleles, 2 heterozygotes.

Breakthrough Genomics
Classification: Likely benign. Review status: criteria provided, single submitter. Criteria: ACMG Guidelines, 2015. Collection method: not provided. Allele origin: germline. Inheritance: Autosomal recessive inheritance. Affected: yes.